The following is an entry in ClinVar:

ClinVar aggregate classification (germline): Pathogenic (1 of 4 stars; one submission).

Conditions:
Hereditary cancer-predisposing syndrome. Also called: Neoplastic Syndromes, Hereditary; Tumor predisposition; Hereditary Cancer Syndrome; Hereditary neoplastic syndrome. Identifiers: Orphanet 140162, MedGen C0027672, MeSH D009386, MONDO:0015356.

Submission:

Ambry Genetics
Classification: Pathogenic for Hereditary cancer-predisposing syndrome. Last evaluated: 2020-05-04. Review status: criteria provided, single submitter. Criteria: Ambry Variant Classification Scheme 2023. Collection method: clinical testing. Allele origin: germline.
Comment: The c.1606delA pathogenic mutation, located in coding exon 9 of the BRCA1 gene, results from a deletion of one nucleotide at nucleotide position 1606, causing a translational frameshift with a predicted alternate stop codon (p.T536Lfs*10). This alteration is expected to result in loss of function by premature protein truncation or nonsense-mediated mRNA decay. As such, this alteration is interpreted as a disease-causing mutation.

NM_007294.4(BRCA1):c.1606del (p.Thr536fs)

Gene: BRCA1 (BRCA1 DNA repair associated; minus strand). Cytogenetic location: 17q21.31.
Variant type: Deletion.
Coding change: c.1606del on transcript NM_007294.4 (MANE Select); coding-DNA position 1606, one base deleted (A; older notation c.1606delA).
Protein change: p.Thr536fs; shifts the reading frame from threonine 536.
Molecular consequence: frameshift variant. On other transcripts: intron variant (137).
Genome position (GRCh38, 1-based): chr17:43,093,925, T deleted on the plus strand (A on the coding strand, the reverse complement: BRCA1 is on the minus strand); the first of 2 consecutive T bases (chr17:43,093,925-43,093,926); deleting either gives the same sequence. VCF-style (leftmost placement, unchanged base first): chr17-43093924-GT-G. GRCh37 (hg19) VCF-style: chr17-41245941-GT-G.
Other names: c.1483del, p.Thr495fs (NM_001407683.1, NM_001407679.1, NM_001407680.1 and 19 more transcripts); c.1606del, p.Thr536fs (NM_001407684.1, NM_001407581.1, NM_001407582.1 and 30 more transcripts); c.1393del, p.Thr465fs (NM_001407571.1, NM_001407853.1, NM_001407894.1 and 9 more transcripts); c.1603del, p.Thr535fs (NM_001407587.1, NM_001407590.1, NM_001407591.1 and 22 more transcripts); c.1597del, p.Thr533fs (NM_001407646.1, NM_001407647.1); c.1480del, p.Thr494fs (NM_001407649.1, NM_001407670.1, NM_001407671.1 and 11 more transcripts); c.1528del, p.Thr510fs (NM_001407653.1, NM_001407654.1, NM_001407655.1 and 4 more transcripts); c.1525del, p.Thr509fs (NM_001407659.1, NM_001407660.1, NM_001407661.1 and 1 more transcripts); and 41 more; short protein forms T489fs, T536fs, T424fs, T447fs, T448fs, T465fs, T466fs, T468fs.
Identifiers: ClinVar variation 1776293 (VCV001776293.2), dbSNP rs2552201322, ClinGen allele CA2580093793.